The following is an entry in ClinVar:

NM_004715.5(CTDP1):c.1592G>A (p.Gly531Asp)

Gene: CTDP1 (CTD phosphatase 1; plus strand). Cytogenetic location: 18q23.
Variant type: single nucleotide variant.
Coding change: c.1592G>A on transcript NM_004715.5 (MANE Select); coding-DNA position 1592, G replaced by A.
Protein change: p.Gly531Asp; replaces glycine 531 with aspartic acid.
Molecular consequence: missense variant.
Genome position (GRCh38, 1-based): chr18:79,715,052, G>A. VCF-style: chr18-79715052-G-A. GRCh37 (hg19) VCF-style: chr18-77475052-G-A.
Other names: c.1235G>A, p.Gly412Asp (NM_001202504.1); c.1592G>A, p.Gly531Asp (NM_001318511.2, NM_048368.4); short protein forms G412D, G531D.
Identifiers: ClinVar variation 3067504 (VCV003067504.21), dbSNP rs958525590, ClinGen allele CA303772342.

ClinVar aggregate classification (germline): Uncertain significance (1 of 4 stars; one submission).

Allele frequency attached by ClinVar (database versions not stated): TOPMed below 0.00001.
gnomAD v4.1: 40 of 1,610,558 alleles (0.0025%); highest among the groups gnomAD compares: Non-Finnish European, 0.0032%; no homozygotes.

Submission:

CeGaT Center for Human Genetics Tuebingen
Classification: Uncertain significance. Last evaluated: 2024-01-01. Review status: criteria provided, single submitter. Criteria: CeGaT Center For Human Genetics Tuebingen Variant Classification Criteria Version 2. Collection method: clinical testing. Allele origin: germline. Affected: yes. Observed: 1 variant allele.
Comment: CTDP1: PM2